The following is an entry in ClinVar:

ClinVar aggregate classification (germline): Uncertain significance. Review status: criteria provided, multiple submitters, no conflicts (2 of 4 stars). 9 submissions from 8 submitters: Uncertain significance (7). 2 of the submissions do not count toward it. Last evaluated 2026-05-04.

Conditions:
LOXHD1-related disorder. Also called: LOXHD1-related condition.
Autosomal recessive nonsyndromic hearing loss 77. Identifiers: Orphanet 90636, MedGen C2746083, MONDO:0013119, OMIM 613079.

Allele frequency attached by ClinVar (database versions not stated): 1000 Genomes Project 30x 0.00031; 1000 Genomes Project 0.00040; ExAC 0.00046; gnomAD exomes 0.00053; TOPMed 0.00054; ESP Exome Variant Server 0.00066; gnomAD 0.00069 and 0.00070.
gnomAD v4.1: 1,154 of 1,372,566 alleles (0.084%); highest among the groups gnomAD compares: Non-Finnish European, 0.1%; no homozygotes.

Submissions (9):

PreventionGenetics, part of Exact Sciences
Classification: Uncertain significance for LOXHD1-related condition. Last evaluated: 2026-05-04. Review status: criteria provided, single submitter. Criteria: ACMG Guidelines, 2015. Collection method: clinical testing. Allele origin: germline.
Comment: The LOXHD1 c.2998C>T variant is predicted to result in the amino acid substitution p.Arg1000Trp. This variant was observed together with second LOXHD1 variant in an individual with hearing loss, however this individual had also two variants in TECTA gene that were assessed as likely causative in this individual, while the LOXHD1 variants were assessed as likely not pathogenic (Table S2, Sommen et al. 2016. PubMed ID: 27068579). This variant is reported in 0.12% of alleles in individuals of European (Non-Finnish) descent in gnomAD. Although we suspect that this variant may be benign, at this time, the clinical significance of this variant is uncertain due to the absence of conclusive functional and genetic evidence.

Blueprint Genetics
Classification: Uncertain significance. Last evaluated: 2024-11-19. Review status: criteria provided, single submitter. Criteria: ACMG Guidelines, 2015. Collection method: clinical testing. Allele origin: germline.

Illumina Laboratory Services, Illumina
Classification: Uncertain significance. Last evaluated: 2022-10-14. Review status: criteria provided, single submitter. Criteria: ICSL CNVClassificationCriteria Aug2020. Collection method: clinical testing. Allele origin: unknown. Affected: yes.
Comment: The LOXHD1 c.2998C>T (p.Arg1000Trp) missense variant results in the substitution of arginine at amino acid position 1000 with tryptophan. This variant has been reported in one study in which the variant was found in a compound heterozygous state with a second allele in LOXHD1 in an individual with hearing loss who also carried two alleles in TECTA, which is also associated with nonsyndromic hearing loss (PMID: 27068579). The c.2998C>T variant has been reported at a frequency of 0.001207 in the European (non-Finnish) population of the Genome Aggregation Database (version 2.1.1). Based on available evidence, the c.2998C>T (p.Arg1000Trp) variant is classified as a variant of uncertain significance for nonsyndromic genetic hearing loss.

Labcorp Genetics (formerly Invitae), Labcorp
Classification: Uncertain significance. Last evaluated: 2022-02-23. Review status: criteria provided, single submitter. Criteria: Invitae Variant Classification Sherloc (09022015). Collection method: clinical testing. Allele origin: germline.
Comment: This sequence change replaces arginine, which is basic and polar, with tryptophan, which is neutral and slightly polar, at codon 1000 of the LOXHD1 protein (p.Arg1000Trp). This variant is present in population databases (rs199847981, gnomAD 0.1%), and has an allele count higher than expected for a pathogenic variant. This missense change has been observed in individual(s) with nonsyndromic deafness (PMID: 27068579). ClinVar contains an entry for this variant (Variation ID: 449913). Algorithms developed to predict the effect of missense changes on protein structure and function are either unavailable or do not agree on the potential impact of this missense change (SIFT: "Deleterious"; PolyPhen-2: "Probably Damaging"; Align-GVGD: "Class C0"). In summary, the available evidence is currently insufficient to determine the role of this variant in disease. Therefore, it has been classified as a Variant of Uncertain Significance.

Fulgent Genetics
Classification: Uncertain significance for Autosomal recessive nonsyndromic hearing loss 77. Last evaluated: 2022-01-12. Review status: criteria provided, single submitter. Criteria: ACMG Guidelines, 2015. Collection method: clinical testing. Allele origin: unknown.

Laboratory for Molecular Medicine, Mass General Brigham Personalized Medicine
Classification: Uncertain significance. Last evaluated: 2019-02-19. Review status: criteria provided, single submitter. Criteria: LMM Criteria. Collection method: clinical testing. Allele origin: germline. Observed: 2 variant alleles.
Comment: Variant classified as Uncertain Significance - Favor Benign. The p.Arg1000Trp variant in LOXHD1 has been previously identified in 2 individuals with hearing loss (Sommen 2016, LMM data); however one of these individuals harbored two additional variants in the TECTA gene that were thought to be responsible for their hearing loss (Sommen 2016). This variant has also been identified in 0.1% (92/76204) of European chromosomes by gnomAD. Computational prediction tools and conservation analysis do not provide strong support for or against an impact to the protein. In summary, while the clinical significance of the p.Arg1000Trp variant is uncertain, its frequency suggests it is more likely to be benign. ACMG/AMP Criteria applied: BS1_Supporting.

GeneDx
Classification: Uncertain significance. Last evaluated: 2017-08-24. Review status: criteria provided, single submitter. Criteria: GeneDx Variant Classification (06012015). Collection method: clinical testing. Allele origin: germline. Affected: yes.
Comment: The R1000W variant in the LOXHD1 gene has been reported previously with another LOXHD1 variant in an individual with autosomal recessive nonsyndromic hearing loss (Sommen et al., 2016). However, it was unknown if the two variants were on the same LOXHD1 allele (in cis) or on opposite alleles (in trans), and this individual was also reported to have two variants that were thought to be causative in another hearing loss gene (Sommen et al., 2016). The R1000W variant is observed in 8/8,596 (0.09%) alleles from individuals of European (non-Finnish) background in the ExAC dataset (Lek et al., 2016). The R1000W variant is a non-conservative amino acid substitution, which is likely to impact secondary protein structure as these residues differ in polarity, charge, size and/or other properties. While this substitution occurs at a position that is not conserved, in silico analysis predicts this variant is probably damaging to the protein structure/function. We interpret R1000W as a variant of uncertain significance.

Natera, Inc.
Classification: Uncertain significance for Autosomal recessive deafness type 77. Last evaluated: 2020-09-16. Review status: no assertion criteria provided. Collection method: clinical testing. Allele origin: germline. Not counted in ClinVar's aggregate classification.

Illumina Laboratory Services, Illumina
Classification: Uncertain significance for Autosomal recessive nonsyndromic hearing loss 77. Last evaluated: 2018-01-13. Review status: flagged submission. Criteria: ICSL Variant Classification Criteria 13 December 2019. Collection method: clinical testing. Allele origin: germline. Not counted in ClinVar's aggregate classification.
ClinVar note: Reason: This record appears to be redundant with a more recent record from the same submitter.
ClinVar note: Notes: SCV001283132 appears to be redundant with SCV003802877.

Literature cited by the submitters: PubMed 27068579 (cited by 3 submitters).

NM_001384474.1(LOXHD1):c.2998C>T (p.Arg1000Trp)

Gene: LOXHD1 (lipoxygenase homology PLAT domains 1; minus strand). Cytogenetic location: 18q21.1.
Variant type: single nucleotide variant.
Coding change: c.2998C>T on transcript NM_001384474.1 (MANE Select); coding-DNA position 2998, C replaced by T.
Protein change: p.Arg1000Trp; replaces arginine 1000 with tryptophan.
Molecular consequence: missense variant.
Genome position (GRCh38, 1-based): chr18:46,560,146, G>A on the plus strand (C>T on the coding strand, the complement: LOXHD1 is on the minus strand). VCF-style: chr18-46560146-G-A. GRCh37 (hg19) VCF-style: chr18-44140109-G-A.
Other names: c.2998C>T, p.Arg1000Trp (NM_144612.7); short protein forms R1000W.
Identifiers: ClinVar variation 449913 (VCV000449913.17), dbSNP rs199847981, ClinGen allele CA8952587.